The following is an entry in ClinVar:

NM_017807.4(OSGEP):c.875G>A (p.Cys292Tyr)

Gene: OSGEP (O-sialoglycoprotein endopeptidase; minus strand). Cytogenetic location: 14q11.2.
Variant type: single nucleotide variant.
Coding change: c.875G>A on transcript NM_017807.4 (MANE Select); coding-DNA position 875, G replaced by A.
Protein change: p.Cys292Tyr; replaces cysteine 292 with tyrosine.
Molecular consequence: missense variant.
Genome position (GRCh38, 1-based): chr14:20,447,515, C>T on the plus strand (G>A on the coding strand, the complement: OSGEP is on the minus strand). VCF-style: chr14-20447515-C-T. GRCh37 (hg19) VCF-style: chr14-20915674-C-T.
Other names: short protein forms C292Y.
Identifiers: ClinVar variation 2584900 (VCV002584900.1), dbSNP rs1880977821, ClinGen allele CA389116417.

ClinVar aggregate classification (germline): Uncertain significance (1 of 4 stars; one submission).

Conditions:
Galloway-Mowat syndrome 3. Identifiers: MedGen C4540266, MONDO:0033007, OMIM 617729.

Allele frequency attached by ClinVar (database versions not stated): TOPMed below 0.00001.

Submission:

Neuberg Centre For Genomic Medicine, NCGM
Classification: Uncertain significance for Galloway-Mowat syndrome 3. Review status: criteria provided, single submitter. Criteria: ACMG Guidelines, 2015. Collection method: clinical testing. Allele origin: germline. Inheritance: Autosomal recessive inheritance. Affected: yes.
Comment: The c.875G>A (p.Cys292Tyr) missense variant in OSGEP gene has not been reported previously as a pathogenic variant nor as a benign variant, to our knowledge. The p.Cys292Tyr variant is novel (not in any individuals) in gnomAD Exomes and 1000 Genomes. The amino acid Cys at position 292 is changed to a Tyr changing protein sequence and it might alter its composition and physico-chemical properties. The amino acid change p.Cys292Tyr in OSGEP is predicted as conserved by GERP++ and PhyloP across 100 vertebrates. For these reasons, this variant has been classified as Variant of Uncertain Significance (VUS).